The following is an entry in ClinVar:

NM_004612.4(TGFBR1):c.297T>C (p.Tyr99=)

Gene: TGFBR1 (transforming growth factor beta receptor 1; plus strand). Cytogenetic location: 9q22.33.
Variant type: single nucleotide variant.
Coding change: c.297T>C on transcript NM_004612.4 (MANE Select); coding-DNA position 297, T replaced by C.
Protein change: p.Tyr99=; no amino-acid change (tyrosine 99 retained).
Molecular consequence: synonymous variant.
Genome position (GRCh38, 1-based): chr9:99,129,054, T>C. VCF-style: chr9-99129054-T-C. GRCh37 (hg19) VCF-style: chr9-101891336-T-C.
Other names: c.297T>C, p.Tyr99= (NM_001130916.3, NM_001306210.2).
Identifiers: ClinVar variation 1332538 (VCV001332538.4), dbSNP rs550395617, ClinGen allele CA196882412.

ClinVar aggregate classification (germline): Likely benign. Review status: criteria provided, multiple submitters, no conflicts (2 of 4 stars). 3 submissions from 3 submitters: Likely benign (3). Last evaluated 2025-08-11.

Conditions:
Loeys-Dietz syndrome (LDS). Identifiers: Orphanet 60030, MedGen C2697932, MONDO:0018954.
Familial thoracic aortic aneurysm and aortic dissection (TAAD). Also called: Thoracic aortic aneurysms and dissections. Identifiers: Orphanet 91387, MedGen C4707243, MONDO:0019625.

Allele frequency attached by ClinVar (database versions not stated): gnomAD exomes below 0.00001; gnomAD 0.00001; 1000 Genomes Project 30x 0.00016; 1000 Genomes Project 0.00020.
gnomAD v4.1: 3 of 1,613,976 alleles (0.00019%); highest among the groups gnomAD compares: South Asian, 0.0033%; no homozygotes.

Submissions (3):

Labcorp Genetics (formerly Invitae), Labcorp
Classification: Likely benign for Familial thoracic aortic aneurysm and aortic dissection. Last evaluated: 2025-08-11. Review status: criteria provided, single submitter. Criteria: Invitae Variant Classification Sherloc (09022015). Collection method: clinical testing. Allele origin: germline.

All of Us Research Program, National Institutes of Health
Classification: Likely benign for Loeys-Dietz syndrome. Last evaluated: 2023-06-26. Review status: criteria provided, single submitter. Criteria: ACMG Guidelines, 2015. Collection method: clinical testing. Allele origin: germline. Inheritance: Autosomal dominant inheritance. Observed: 1 variant allele, 1 heterozygote.
Comment: This study involves interpretation of variants in research participants for the purpose of population health screening. Participant phenotype was not available at the time of variant classification. Additional details can be found in publication PMID: 35346344, PMCID: PMC8962531

Color Diagnostics, LLC DBA Color Health
Classification: Likely benign for Familial thoracic aortic aneurysm and aortic dissection. Last evaluated: 2021-03-16. Review status: criteria provided, single submitter. Criteria: ACMG Guidelines, 2015. Collection method: clinical testing. Allele origin: germline.